The following is an entry in ClinVar:

ClinVar aggregate classification (germline): Likely benign (0 of 4 stars; one submission).

Conditions:
PGM1-related disorder. Also called: PGM1-related condition; PGM1-related disorders.

Allele frequency attached by ClinVar (database versions not stated): gnomAD 0.00001; TOPMed 0.00001.
gnomAD v4.1: 2 of 152,132 alleles (0.0013%); highest among the groups gnomAD compares: East Asian, 0.039%; no homozygotes.

Submission:

PreventionGenetics, part of Exact Sciences
Classification: Likely benign for PGM1-related condition. Last evaluated: 2022-11-10. Review status: no assertion criteria provided. Collection method: clinical testing. Allele origin: germline.
Comment: This variant is classified as likely benign based on ACMG/AMP sequence variant interpretation guidelines (Richards et al. 2015 PMID: 25741868, with internal and published modifications).

NM_002633.3(PGM1):c.1145-212A>G

Gene: PGM1 (phosphoglucomutase 1; plus strand). Cytogenetic location: 1p31.3.
Variant type: single nucleotide variant.
Coding change: c.1145-212A>G on transcript NM_002633.3 (MANE Select); 212 bases into the intron before coding-DNA position 1145, A replaced by G.
Molecular consequence: intron variant.
Genome position (GRCh38, 1-based): chr1:63,648,305, A>G. VCF-style: chr1-63648305-A-G. GRCh37 (hg19) VCF-style: chr1-64113976-A-G.
Other names: c.554-212A>G (NM_001172819.2); c.1199-212A>G (NM_001172818.1).
Identifiers: ClinVar variation 3036870 (VCV003036870.2), dbSNP rs1256714145, ClinGen allele CA523569112.